The following is an entry in ClinVar:

NM_000388.4(CASR):c.1664T>C (p.Ile555Thr)

Gene: CASR (calcium sensing receptor; plus strand). Cytogenetic location: 3q21.1.
Variant type: single nucleotide variant.
Coding change: c.1664T>C on transcript NM_000388.4 (MANE Select); coding-DNA position 1664, T replaced by C.
Protein change: p.Ile555Thr; replaces isoleucine 555 with threonine.
Molecular consequence: missense variant.
Genome position (GRCh38, 1-based): chr3:122,282,168, T>C. VCF-style: chr3-122282168-T-C. GRCh37 (hg19) VCF-style: chr3-122001015-T-C.
Other names: p.Ile555Thr; c.1694T>C, p.Ile565Thr (NM_001178065.2); c.1694T>C (NM_001178065.1); short protein forms I555T, I565T.
Identifiers: ClinVar variation 804659 (VCV000804659.22), dbSNP rs1576875819, ClinGen allele CA354156225.

ClinVar aggregate classification (germline): Pathogenic/Likely pathogenic. Review status: criteria provided, multiple submitters, no conflicts (2 of 4 stars). 7 submissions from 7 submitters: Pathogenic (6); Likely pathogenic (1). Last evaluated 2026-06-26.

Conditions:
CASR-related disorder. Also called: CASR-related condition.
Familial hypocalciuric hypercalcemia (FHH). Also called: Familial benign hypercalcemia. Identifiers: Orphanet 405, MedGen C1809471, MONDO:0018458.
Autosomal dominant hypocalcemia 1 (HYPOC1). Also called: HYPOCALCEMIA, FAMILIAL. Identifiers: MedGen C3715128, MONDO:0011013, OMIM 601198.
Nephrolithiasis/nephrocalcinosis. Identifiers: MedGen CN580796.

Allele frequency attached by ClinVar (database versions not stated): gnomAD exomes below 0.00001.
gnomAD v4.1: 1 of 1,614,206 alleles (0.000062%); highest among the groups gnomAD compares: Non-Finnish European, 0.000085%; no homozygotes.

Submissions (7):

PreventionGenetics, part of Exact Sciences
Classification: Pathogenic for CASR-related condition. Last evaluated: 2026-06-26. Review status: criteria provided, single submitter. Criteria: ACMG Guidelines, 2015. Collection method: clinical testing. Allele origin: germline.
Comment: The CASR c.1694T>C variant is predicted to result in the amino acid substitution p.Ile565Thr. In the literature, this variant is referred to as c.1664T>C, p.Ile555Thr using alternative transcript NM_000388. It has been reported in the heterozygous state in individuals with familial hypocalciuric hypercalcemia (FHH) and segregated with disease in family members (see, for example: Tonyushkina et al. 2012. PubMed ID: 22620673; Lasbleiz et al. 2022. PubMed ID: 34714514; Cuny et al. 2024. PubMed ID: 37602721). This variant has also been reported in both homozygous and heterozygous family members with hypercalcemia and hyperparathyroidism (Wang et al. 2020. PubMed ID: 32871939). At PreventionGenetics, this variant has been observed in unrelated individuals with FHH (Internal Data). In vitro experimental studies indicate that this variant impacts protein function (Cuny et al. 2024. PubMed ID: 37602721). This variant has not been reported in a large population database (gnomAD), indicating it is rare. This variant is interpreted as pathogenic.

Labcorp Genetics (formerly Invitae), Labcorp
Classification: Pathogenic for Familial hypocalciuric hypercalcemia; Autosomal dominant hypocalcemia 1. Last evaluated: 2025-11-24. Review status: criteria provided, single submitter. Criteria: Invitae Variant Classification Sherloc (09022015). Collection method: clinical testing. Allele origin: germline.
Comment: This sequence change replaces isoleucine, which is neutral and non-polar, with threonine, which is neutral and polar, at codon 555 of the CASR protein (p.Ile555Thr). This variant is not present in population databases (gnomAD no frequency). This missense change has been observed in individuals with hypocalciuric hypercalcemia (PMID: 22620673, 26963950, 30407919, 32347971, 32871939; internal data). It has also been observed to segregate with disease in related individuals. Invitae Evidence Modeling of clinical and family history, age, sex, and reported ancestry of multiple individuals with this CASR variant has been performed. This variant is expected to be pathogenic with a positive predictive value of at least 99%. This is a validated machine learning model that incorporates the clinical features of 646,172 individuals referred to our laboratory for CASR testing. ClinVar contains an entry for this variant (Variation ID: 804659). An algorithm developed to predict the effect of missense changes on protein structure and function (PolyPhen-2) suggests that this variant is likely to be disruptive. For these reasons, this variant has been classified as Pathogenic.

Mayo Clinic Laboratories, Mayo Clinic
Classification: Pathogenic. Last evaluated: 2025-04-30. Review status: criteria provided, single submitter. Criteria: ACMG Guidelines, 2015. Collection method: clinical testing. Allele origin: germline. Observed: 3 variant alleles.
Comment: PP1_moderate, PP2, PM1, PM2_supporting, PS4

Ambry Genetics
Classification: Pathogenic for Nephrolithiasis/nephrocalcinosis. Last evaluated: 2024-09-20. Review status: criteria provided, single submitter. Criteria: Ambry Variant Classification Scheme 2023. Collection method: clinical testing. Allele origin: germline.
Comment: The p.I555T variant (also known as c.1664T>C), located in coding exon 5 of the CASR gene, results from a T to C substitution at nucleotide position 1664. The isoleucine at codon 555 is replaced by threonine, an amino acid with similar properties. This variant has been reported as heterozygous and homozygous in multiple individuals with features consistent with CASR-related hypocalciuric hypercalcemia and segregated with disease in at least two families (Tonyushkina KN et al. Int J Pediatr Endocrinol, 2012 May;2012:13;Garc&iacute;a-Casta&ntilde;o A et al. Eur J Endocrinol, 2019 Jan;180:59-70;Wang F et al. Medicine (Baltimore), 2020 Aug;99:e21940;Cuny T et al. J Clin Endocrinol Metab, 2024 Jan;109:549-556). In an assay testing CASR function, this variant showed a functionally abnormal result (Cuny T et al. J Clin Endocrinol Metab, 2024 Jan;109:549-556). This amino acid position is well conserved in available vertebrate species. In addition, this alteration is predicted to be deleterious by in silico analysis. This variant is considered to be rare based on population cohorts in the Genome Aggregation Database (gnomAD). In addition, the evidence for the gene-disease relationship is limited for pancreatitis and cancer predisposition; therefore, the clinical significance of this variant for CASR-related pancreatitis and cancer predisposition is unclear. Based on the supporting evidence, this variant is pathogenic for FHH1; however, the association of this variant with ADH1 is unlikely.

Women's Health and Genetics/Laboratory Corporation of America, LabCorp
Classification: Pathogenic for Familial hypocalciuric hypercalcemia. Last evaluated: 2024-04-24. Review status: criteria provided, single submitter. Criteria: LabCorp Variant Classification Summary - May 2015. Collection method: clinical testing. Allele origin: germline.
Comment: Variant summary: CASR c.1664T>C (p.Ile555Thr) results in a non-conservative amino acid change located in the GPCR, family 3, nine cysteines domain (IPR011500) of the encoded protein sequence. Four of five in-silico tools predict a damaging effect of the variant on protein function. The variant was absent in 251488 control chromosomes. c.1664T>C has been reported in the literature in multiple individuals affected with Familial Hypocalciuric Hypercalcemia (e.g. Tonyushikina_2012, Vargas-Poussou_2016, Garcia-Castano_2019, Hureaux_2019, Wang_2020, Lasbleiz_2022), including one family with homozygous and heterozygous individuals affected with hypercalcemia (Wang_2020). These data indicate that the variant is very likely to be associated with disease. The following publications have been ascertained in the context of this evaluation (PMID: 30407919, 31672324, 22620673, 26963950, 32871939, 34714514). ClinVar contains an entry for this variant (Variation ID: 804659). Based on the evidence outlined above, the variant was classified as pathogenic.

Blueprint Genetics
Classification: Pathogenic for CASR-related disorders. Last evaluated: 2024-04-15. Review status: criteria provided, single submitter. Criteria: ACMG Guidelines, 2015. Collection method: clinical testing. Allele origin: germline. Affected: yes. Observed: 1 variant allele.

Athena Diagnostics
Classification: Likely pathogenic. Last evaluated: 2023-02-23. Review status: criteria provided, single submitter. Criteria: Athena Diagnostics Criteria. Collection method: clinical testing. Allele origin: unknown.
Comment: This variant has been identified in multiple unrelated individuals with clinical features of hypocalciuric hypercalcemia. This variant has not been reported in large, multi-ethnic general populations. Computational tools predict that this variant is damaging.

Literature cited by the submitters: PubMed 22620673 (cited by 5 submitters); PubMed 26963950 (cited by 3 submitters); PubMed 30407919 (cited by 5 submitters); PubMed 32347971 (cited by Labcorp Genetics (formerly Invitae), Labcorp and Mayo Clinic Laboratories, Mayo Clinic); PubMed 32871939 (cited by 5 submitters); PubMed 31672324 (cited by 3 submitters); PubMed 34714514 (cited by 3 submitters); PubMed 37602721 (cited by Ambry Genetics); PubMed 34659108 (cited by Athena Diagnostics).